The following is an entry in ClinVar:

NM_000059.4(BRCA2):c.1910-436del

Gene: BRCA2 (BRCA2 DNA repair associated; plus strand). Cytogenetic location: 13q13.1.
Variant type: Deletion.
Coding change: c.1910-436del on transcript NM_000059.4 (MANE Select); 436 bases into the intron before coding-DNA position 1910, one base deleted (A; older notation c.1910-436delA).
Molecular consequence: intron variant.
Genome position (GRCh38, 1-based): chr13:32,335,829, A deleted. VCF-style (leftmost placement, unchanged base first): chr13-32335828-GA-G. GRCh37 (hg19) VCF-style: chr13-32909965-GA-G.
Other names: IVS 10-436del.
Identifiers: ClinVar variation 209684 (VCV000209684.1), dbSNP rs11571649, ClinGen allele CA276653.

ClinVar aggregate classification (germline): Benign (3 of 4 stars; one submission).

Conditions:
Breast-ovarian cancer, familial, susceptibility to, 2 (BROVCA2). Also called: BRCA2 Hereditary Breast and Ovarian Cancer. Identifiers: Orphanet 145, MedGen C2675520, MONDO:0012933, OMIM 612555. Disease mechanism: loss of function.

Allele frequency attached by ClinVar (database versions not stated): gnomAD 0.00972 and 0.01048; 1000 Genomes Project 0.00998; 1000 Genomes Project 30x 0.01031; TOPMed 0.01079.

Submission:

Evidence-based Network for the Interpretation of Germline Mutant Alleles (ENIGMA)
Classification: Benign for Breast-ovarian cancer, familial 2. Last evaluated: 2015-01-12. Review status: reviewed by expert panel. Criteria: ENIGMA BRCA1/2 Classification Criteria (2015). Collection method: curation. Allele origin: germline.
Comment: Class 1 not pathogenic based on frequency >1% in an outbred sampleset. Frequency 0.05 (African), derived from 1000 genomes (2012-04-30).